The following is an entry in ClinVar:

NM_005559.4(LAMA1):c.859-3T>A

Gene: LAMA1 (laminin subunit alpha 1; minus strand). Cytogenetic location: 18p11.31.
Variant type: single nucleotide variant.
Coding change: c.859-3T>A on transcript NM_005559.4 (MANE Select); 3 bases into the intron before coding-DNA position 859, T replaced by A.
Molecular consequence: intron variant.
Genome position (GRCh38, 1-based): chr18:7,044,842, A>T on the plus strand (T>A on the coding strand, the complement: LAMA1 is on the minus strand). VCF-style: chr18-7044842-A-T. GRCh37 (hg19) VCF-style: chr18-7044841-A-T.
Identifiers: ClinVar variation 1186075 (VCV001186075.7), dbSNP rs199792770, ClinGen allele CA8883162.

ClinVar aggregate classification (germline): Uncertain significance. Review status: criteria provided, multiple submitters, no conflicts (2 of 4 stars). 3 submissions from 3 submitters: Uncertain significance (3). Last evaluated 2025-10-03.

Allele frequency attached by ClinVar (database versions not stated): ExAC 0.00004; gnomAD exomes 0.00004; gnomAD 0.00011 and 0.00014; TOPMed 0.00016; ESP Exome Variant Server 0.00046.
gnomAD v4.1: 36 of 1,607,182 alleles (0.0022%); highest among the groups gnomAD compares: African/African-American, 0.033%; no homozygotes.

Submissions (3):

Labcorp Genetics (formerly Invitae), Labcorp
Classification: Uncertain significance. Last evaluated: 2025-10-03. Review status: criteria provided, single submitter. Criteria: Invitae Variant Classification Sherloc (09022015). Collection method: clinical testing. Allele origin: germline.
Comment: This sequence change falls in intron 6 of the LAMA1 gene. It does not directly change the encoded amino acid sequence of the LAMA1 protein. It affects a nucleotide within the consensus splice site. This variant is present in population databases (rs199792770, gnomAD 0.04%). This variant has not been reported in the literature in individuals affected with LAMA1-related conditions. ClinVar contains an entry for this variant (Variation ID: 1186075). Variants that disrupt the consensus splice site are a relatively common cause of aberrant splicing (PMID: 17576681, 9536098). Algorithms developed to predict the effect of sequence changes on RNA splicing suggest that this variant may disrupt the consensus splice site. In summary, the available evidence is currently insufficient to determine the role of this variant in disease. Therefore, it has been classified as a Variant of Uncertain Significance.

Women's Health and Genetics/Laboratory Corporation of America, LabCorp
Classification: Uncertain significance. Last evaluated: 2024-08-07. Review status: criteria provided, single submitter. Criteria: LabCorp Variant Classification Summary - May 2015. Collection method: clinical testing. Allele origin: germline.
Comment: Variant summary: LAMA1 c.859-3T>A alters a non-conserved nucleotide located close to a canonical splice site and therefore could affect mRNA splicing, leading to a significantly altered protein sequence. Several computational tools predict a significant impact on normal splicing: two predict the variant abolishes a 3' acceptor site, one predicts the variant weakens a 3' acceptor site, while one predicts the variant no significant impact on splicing. However, these predictions have yet to be confirmed by functional studies. The variant allele was found at a frequency of 4.4e-05 in 251422 control chromosomes (gnomAD). This frequency is not significantly higher than estimated for a pathogenic variant in LAMA1 causing Ataxia-Intellectual Disability-Oculomotor Apraxia-Cerebellar Cysts Syndrome, allowing no conclusion about variant significance. To our knowledge, no occurrence of c.859-3T>A in individuals affected with Ataxia-Intellectual Disability-Oculomotor Apraxia-Cerebellar Cysts Syndrome and no experimental evidence demonstrating its impact on protein function have been reported. ClinVar contains an entry for this variant (Variation ID: 1186075). Based on the evidence outlined above, the variant was classified as uncertain significance.

GeneDx
Classification: Uncertain significance. Last evaluated: 2023-06-20. Review status: criteria provided, single submitter. Criteria: GeneDx Variant Classification Process June 2021. Collection method: clinical testing. Allele origin: germline. Affected: yes.
Comment: In silico analysis supports a deleterious effect on splicing; Has not been previously published as pathogenic or benign to our knowledge

Literature cited by the submitters: PubMed 17576681 (cited by Labcorp Genetics (formerly Invitae), Labcorp); PubMed 9536098 (cited by Labcorp Genetics (formerly Invitae), Labcorp).